The following is an entry in ClinVar:

NM_024411.5(PDYN):c.584G>A (p.Gly195Glu)

Genes: PDYN (prodynorphin; minus strand), PDYN-AS1 (PDYN antisense RNA 1; plus strand). Cytogenetic location: 20p13.
Variant type: single nucleotide variant.
Coding change: c.584G>A on transcript NM_024411.5 (MANE Select); coding-DNA position 584, G replaced by A.
Protein change: p.Gly195Glu; replaces glycine 195 with glutamic acid.
Molecular consequence: missense variant.
Genome position (GRCh38, 1-based): chr20:1,980,504, C>T on the plus strand (G>A on the coding strand, the complement: PDYN is on the minus strand). VCF-style: chr20-1980504-C-T. GRCh37 (hg19) VCF-style: chr20-1961150-C-T.
Other names: c.584G>A, p.Gly195Glu (NM_001190892.1, NM_001190898.3, NM_001190899.2 and 1 more transcripts); short protein forms G195E.
Identifiers: ClinVar variation 1498238 (VCV001498238.8), dbSNP rs2122307068, ClinGen allele CA408002834.
Genomic context (GRCh38, chr20:1,980,504, plus strand): 5'-CGAATGCGCCGCAAGAAGCCCCCATAGCGTTTGTACAGGTCCTCATGGCCCATGCTATCC[C>T]CGTCCCCCTCCCCAGCCACCTCTGAGCTCCTCTTGGGGTATTTGCGCAAAAAGCCCCCAT-3'
Protein context (NP_077722.1, residues 185-205): RSSEVAGEGD[Gly195Glu]DSMGHEDLYK

ClinVar aggregate classification (germline): Uncertain significance (1 of 4 stars; one submission).

Allele frequency attached by ClinVar (database versions not stated): gnomAD exomes below 0.00001.

Submission:

Labcorp Genetics (formerly Invitae), Labcorp
Classification: Uncertain significance. Last evaluated: 2020-11-11. Review status: criteria provided, single submitter. Criteria: Invitae Variant Classification Sherloc (09022015). Collection method: clinical testing. Allele origin: germline.
Comment: This sequence change replaces glycine with glutamic acid at codon 195 of the PDYN protein (p.Gly195Glu). The glycine residue is highly conserved and there is a moderate physicochemical difference between glycine and glutamic acid. This variant is not present in population databases (ExAC no frequency). This variant has not been reported in the literature in individuals with PDYN-related conditions. Algorithms developed to predict the effect of missense changes on protein structure and function output the following: SIFT: "Deleterious"; PolyPhen-2: "Benign"; Align-GVGD: "Class C65". The glutamic acid amino acid residue is found in multiple mammalian species, suggesting that this missense change does not adversely affect protein function. These predictions have not been confirmed by published functional studies and their clinical significance is uncertain. In summary, the available evidence is currently insufficient to determine the role of this variant in disease. Therefore, it has been classified as a Variant of Uncertain Significance.